The following is an entry in ClinVar:

ClinVar aggregate classification (germline): Likely benign. Review status: criteria provided, multiple submitters, no conflicts (2 of 4 stars). 2 submissions from 2 submitters: Likely benign (2). Last evaluated 2026-06-01.

Conditions:
HCN2-related disorder. Also called: HCN2-related condition.

gnomAD v4.1: 290 of 1,595,364 alleles (0.018%); highest among the groups gnomAD compares: South Asian, 0.3%; 4 homozygotes.

Submissions (2):

CeGaT Center for Human Genetics Tuebingen
Classification: Likely benign. Last evaluated: 2026-06-01. Review status: criteria provided, single submitter. Criteria: CeGaT Center For Human Genetics Tuebingen Variant Classification Criteria Version 2. Collection method: clinical testing. Allele origin: germline. Affected: yes. Observed: 2 variant alleles.
Comment: HCN2: BP4, BP7

PreventionGenetics, part of Exact Sciences
Classification: Likely benign for HCN2-related condition. Last evaluated: 2025-11-06. Review status: criteria provided, single submitter. Criteria: ACMG Guidelines, 2015. Collection method: clinical testing. Allele origin: germline.
Comment: This variant is classified as likely benign based on ACMG/AMP sequence variant interpretation guidelines (Richards et al. 2015 PMID: 25741868, with internal and published modifications).

NM_001194.4(HCN2):c.1860G>T (p.Ala620=)

Gene: HCN2 (hyperpolarization activated cyclic nucleotide gated potassium and sodium channel 2; plus strand). Cytogenetic location: 19p13.3.
Variant type: single nucleotide variant.
Coding change: c.1860G>T on transcript NM_001194.4 (MANE Select); coding-DNA position 1860, G replaced by T.
Protein change: p.Ala620=; no amino-acid change (alanine 620 retained).
Molecular consequence: synonymous variant.
Genome position (GRCh38, 1-based): chr19:613,886, G>T. VCF-style: chr19-613886-G-T. GRCh37 (hg19) VCF-style: chr19-613886-G-T.
Other names: c.1860G>T (NM_001194.3).
Identifiers: ClinVar variation 4872236 (VCV004872236.3).